The following is an entry in ClinVar:

NM_001267550.2(TTN):c.1470del (p.Glu490fs)

Gene: TTN (titin; minus strand). Cytogenetic location: 2q31.2.
Variant type: Deletion.
Coding change: c.1470del on transcript NM_001267550.2 (MANE Select); coding-DNA position 1470, one base deleted (A; older notation c.1470delA).
Protein change: p.Glu490fs; shifts the reading frame from glutamic acid 490.
Molecular consequence: frameshift variant.
Genome position (GRCh38, 1-based): chr2:178,793,470, T deleted on the plus strand (A on the coding strand, the reverse complement: TTN is on the minus strand); the first of 2 consecutive T bases (chr2:178,793,470-178,793,471); deleting either gives the same sequence. VCF-style (leftmost placement, unchanged base first): chr2-178793469-AT-A. GRCh37 (hg19) VCF-style: chr2-179658196-AT-A.
Other names: c.1470del, p.Glu490fs (NM_001256850.1, NM_003319.4, NM_133378.4 and 3 more transcripts); short protein forms E490fs.
Identifiers: ClinVar variation 1042006 (VCV001042006.11), dbSNP rs2093617332, ClinGen allele CA1310624891.

ClinVar aggregate classification (germline): Likely pathogenic (1 of 4 stars; one submission).

Conditions:
Dilated cardiomyopathy 1G (CMD1G). Identifiers: Orphanet 154, MedGen C1858763, MONDO:0011400, OMIM 604145.
Autosomal recessive limb-girdle muscular dystrophy type 2J (LGMDR10). Also called: Limb-girdle muscular dystrophy, type 2J; MUSCULAR DYSTROPHY, LIMB-GIRDLE, AUTOSOMAL RECESSIVE 10. Identifiers: Orphanet 140922, MedGen C1837342, MONDO:0012127, OMIM 608807.

Submission:

Labcorp Genetics (formerly Invitae), Labcorp
Classification: Likely pathogenic for Dilated cardiomyopathy 1G; Autosomal recessive limb-girdle muscular dystrophy type 2J. Last evaluated: 2024-10-18. Review status: criteria provided, single submitter. Criteria: Invitae Variant Classification Sherloc (09022015). Collection method: clinical testing. Allele origin: germline.
Comment: This sequence change creates a premature translational stop signal (p.Glu490Aspfs*2) in the TTN gene. While this is not anticipated to result in nonsense mediated decay, it is expected to create a truncated TTN protein. This variant is not present in population databases (gnomAD no frequency). This variant has not been reported in the literature in individuals affected with TTN-related conditions. ClinVar contains an entry for this variant (Variation ID: 1042006). Algorithms developed to predict the effect of sequence changes on RNA splicing suggest that this variant may disrupt the consensus splice site. This variant is located in the Z band of TTN (PMID: 25589632). Truncating variants in this region have been reported in individuals affected with autosomal recessive centronuclear myopathy (PMID: 33449170, internal data). Truncating variants in this region have also been identified in individuals affected with autosomal dominant dilated cardiomyopathy and/or cardio-related conditions (PMID: 27869827, 32964742, internal data). In summary, the currently available evidence indicates that the variant is pathogenic, but additional data are needed to prove that conclusively. Therefore, this variant has been classified as Likely Pathogenic.

Literature cited by the submitters: PubMed 25589632; PubMed 33449170; PubMed 27869827; PubMed 32964742.